The following is an entry in ClinVar:

NM_198076.6(COX20):c.322C>T (p.Pro108Ser)

Gene: COX20 (cytochrome c oxidase assembly factor COX20; plus strand). Cytogenetic location: 1q44.
Variant type: single nucleotide variant.
Coding change: c.322C>T on transcript NM_198076.6 (MANE Select); coding-DNA position 322, C replaced by T.
Protein change: p.Pro108Ser; replaces proline 108 with serine.
Molecular consequence: missense variant. On other transcripts: 3 prime UTR variant (1), non-coding transcript variant (3).
Genome position (GRCh38, 1-based): chr1:244,843,141, C>T. VCF-style: chr1-244843141-C-T. GRCh37 (hg19) VCF-style: chr1-245006443-C-T.
Other names: c.322C>T, p.Pro108Ser (NM_001312871.1); c.358C>T, p.Pro120Ser (NM_001312872.1); c.187C>T, p.Pro63Ser (NM_001312873.1); c.*132C>T (NM_001312874.1); short protein forms P108S, P120S, P63S.
Identifiers: ClinVar variation 1935605 (VCV001935605.5), dbSNP rs1477103215, ClinGen allele CA345485511.

ClinVar aggregate classification (germline): Uncertain significance (1 of 4 stars; one submission).

Allele frequency attached by ClinVar (database versions not stated): TOPMed below 0.00001.
gnomAD v4.1: 3 of 1,593,326 alleles (0.00019%); highest among the groups gnomAD compares: East Asian, 0.0068%; no homozygotes.

Submission:

Labcorp Genetics (formerly Invitae), Labcorp
Classification: Uncertain significance. Last evaluated: 2023-10-03. Review status: criteria provided, single submitter. Criteria: Invitae Variant Classification Sherloc (09022015). Collection method: clinical testing. Allele origin: germline.
Comment: This sequence change replaces proline, which is neutral and non-polar, with serine, which is neutral and polar, at codon 108 of the COX20 protein (p.Pro108Ser). This variant is present in population databases (no rsID available, gnomAD 0.007%). This variant has not been reported in the literature in individuals affected with COX20-related conditions. ClinVar contains an entry for this variant (Variation ID: 1935605). An algorithm developed to predict the effect of missense changes on protein structure and function (PolyPhen-2) suggests that this variant is likely to be tolerated. In summary, the available evidence is currently insufficient to determine the role of this variant in disease. Therefore, it has been classified as a Variant of Uncertain Significance.